The following is an entry in ClinVar:

NM_006563.5(KLF1):c.629C>G (p.Pro210Arg)

Gene: KLF1 (KLF transcription factor 1; minus strand). Cytogenetic location: 19p13.13.
Variant type: single nucleotide variant.
Coding change: c.629C>G on transcript NM_006563.5 (MANE Select); coding-DNA position 629, C replaced by G.
Protein change: p.Pro210Arg; replaces proline 210 with arginine.
Molecular consequence: missense variant.
Genome position (GRCh38, 1-based): chr19:12,885,601, G>C on the plus strand (C>G on the coding strand, the complement: KLF1 is on the minus strand). VCF-style: chr19-12885601-G-C. GRCh37 (hg19) VCF-style: chr19-12996415-G-C.
Other names: short protein forms P210R.
Identifiers: ClinVar variation 328314 (VCV000328314.9), dbSNP rs530729436, ClinGen allele CA9234035.

ClinVar aggregate classification (germline): Benign/Likely benign. Review status: criteria provided, multiple submitters, no conflicts (2 of 4 stars). 3 submissions from 3 submitters: Benign (1); Likely benign (2). Last evaluated 2025-10-01.

Conditions:
Anemia, congenital dyserythropoietic, type IVa. Also called: Congenital dyserythropoietic anemia type 4; Congenital dyserythropoietic anemia, type IV; CDA, TYPE IVa. Identifiers: Orphanet 293825, MedGen C3150926, MONDO:0013355, OMIM 613673.

Allele frequency attached by ClinVar (database versions not stated): TOPMed 0.00011; gnomAD 0.00039 and 0.00040; gnomAD exomes 0.00059; 1000 Genomes Project 0.00020; ExAC 0.00106; 1000 Genomes Project 30x 0.00016.

Submissions (3):

Labcorp Genetics (formerly Invitae), Labcorp
Classification: Likely benign. Last evaluated: 2025-10-01. Review status: criteria provided, single submitter. Criteria: Invitae Variant Classification Sherloc (09022015). Collection method: clinical testing. Allele origin: germline.

Blueprint Genetics
Classification: Likely benign. Last evaluated: 2024-11-25. Review status: criteria provided, single submitter. Criteria: ACMG Guidelines, 2015. Collection method: clinical testing. Allele origin: germline.

Illumina Laboratory Services, Illumina
Classification: Benign for Anemia, congenital dyserythropoietic, type IVa. Last evaluated: 2018-01-13. Review status: criteria provided, single submitter. Criteria: ICSL Variant Classification Criteria 13 December 2019. Collection method: clinical testing. Allele origin: germline.
Comment: This variant was observed in the ICSL laboratory as part of a predisposition screen in an ostensibly healthy population. It had not been previously curated by ICSL or reported in the Human Gene Mutation Database (HGMD: prior to June 1st, 2018), and was therefore a candidate for classification through an automated scoring system. Utilizing variant allele frequency, disease prevalence and penetrance estimates, and inheritance mode, an automated score was calculated to assess if this variant is too frequent to cause the disease. Based on the score and internal cut-off values, a variant classified as benign is not then subjected to further curation. The score for this variant resulted in a classification of benign for this disease.